The following is an entry in ClinVar:

NM_198535.3(ZNF699):c.878C>T (p.Ser293Leu)

Gene: ZNF699 (zinc finger protein 699; minus strand). Cytogenetic location: 19p13.2.
Variant type: single nucleotide variant.
Coding change: c.878C>T on transcript NM_198535.3 (MANE Select); coding-DNA position 878, C replaced by T.
Protein change: p.Ser293Leu; replaces serine 293 with leucine.
Molecular consequence: missense variant.
Genome position (GRCh38, 1-based): chr19:9,296,526, G>A on the plus strand (C>T on the coding strand, the complement: ZNF699 is on the minus strand). VCF-style: chr19-9296526-G-A. GRCh37 (hg19) VCF-style: chr19-9407202-G-A.
Other names: short protein forms S293L.
Identifiers: ClinVar variation 2515704 (VCV002515704.4), dbSNP rs202023274, ClinGen allele CA9176082.

ClinVar aggregate classification (germline): Uncertain significance. Review status: criteria provided, multiple submitters, no conflicts (2 of 4 stars). 2 submissions from 2 submitters: Uncertain significance (2). Last evaluated 2026-08-06.

Conditions:
DEGCAGS syndrome. Also called: DEVELOPMENTAL DELAY WITH GASTROINTESTINAL, CARDIOVASCULAR, GENITOURINARY, AND SKELETAL ABNORMALITIES. Identifiers: MedGen C5561967, MONDO:0859181, OMIM 619488.
Inborn genetic diseases. Identifiers: MedGen C0950123, MeSH D030342.

Allele frequency attached by ClinVar (database versions not stated): ExAC 0.00007; gnomAD 0.00008; TOPMed 0.00013; gnomAD exomes 0.00018; ESP Exome Variant Server 0.00023.
gnomAD v4.1: 286 of 1,613,986 alleles (0.018%); highest among the groups gnomAD compares: Non-Finnish European, 0.022%; no homozygotes.

Submissions (2):

OLLIN Analises Genomicas, OLLIN
Classification: Uncertain significance for DEGCAGS syndrome. Last evaluated: 2026-08-06. Review status: criteria provided, single submitter. Criteria: ACMG Guidelines 2015 PMID 25741868. Collection method: clinical testing. Allele origin: germline.
Comment: This missense variant, located in exon 6 (of 6), has been reported in ClinVar (accession VCV002515704.3) and in gnomAD with an allele frequency of 0.018%. However, to our knowledge, it has not been reported in the scientific literature. In silico analysis predicts that this variant has a tolerated effect. According to the currently available evidence, this variant has been classified as uncertain significance (PM2_P, BP4_M).

Ambry Genetics
Classification: Uncertain significance for Inborn genetic diseases. Last evaluated: 2025-10-29. Review status: criteria provided, single submitter. Criteria: Ambry Variant Classification Scheme 2023. Collection method: clinical testing. Allele origin: germline.